The following is an entry in ClinVar:

ClinVar aggregate classification (germline): Uncertain significance. Review status: criteria provided, multiple submitters, no conflicts (2 of 4 stars). 2 submissions from 2 submitters: Uncertain significance (2). Last evaluated 2026-04-15.

Conditions:
Inborn genetic diseases. Identifiers: MedGen C0950123, MeSH D030342.

Submissions (2):

Ambry Genetics
Classification: Uncertain significance for Inborn genetic diseases. Last evaluated: 2026-04-15. Review status: criteria provided, single submitter. Criteria: Ambry Variant Classification Scheme 2023. Collection method: clinical testing. Allele origin: germline.

GeneDx
Classification: Uncertain significance. Last evaluated: 2023-07-17. Review status: criteria provided, single submitter. Criteria: GeneDx Variant Classification Process June 2021. Collection method: clinical testing. Allele origin: germline. Affected: yes.
Comment: Not observed at significant frequency in large population cohorts (gnomAD); In silico analysis supports that this missense variant does not alter protein structure/function; Has not been previously published as pathogenic or benign to our knowledge

NM_000278.5(PAX2):c.889T>G (p.Ser297Ala)

Gene: PAX2 (paired box 2; plus strand). Cytogenetic location: 10q24.31.
Variant type: single nucleotide variant.
Coding change: c.889T>G on transcript NM_000278.5 (MANE Select); coding-DNA position 889, T replaced by G.
Protein change: p.Ser297Ala; replaces serine 297 with alanine.
Molecular consequence: missense variant.
Genome position (GRCh38, 1-based): chr10:100,809,206, T>G. VCF-style: chr10-100809206-T-G. GRCh37 (hg19) VCF-style: chr10-102568963-T-G.
Other names: c.958T>G (NM_003987.3); c.982T>G, p.Ser328Ala (NM_001304569.2); c.958T>G, p.Ser320Ala (NM_003987.5, NM_003990.5); c.889T>G, p.Ser297Ala (NM_003988.5, NM_003989.5); short protein forms S297A, S320A, S328A.
Identifiers: ClinVar variation 3361073 (VCV003361073.2).